The following is an entry in ClinVar:

NM_004329.3(BMPR1A):c.850C>A (p.Arg284Ser)

Gene: BMPR1A (bone morphogenetic protein receptor type 1A; plus strand). Cytogenetic location: 10q23.2.
Variant type: single nucleotide variant.
Coding change: c.850C>A on transcript NM_004329.3 (MANE Select); coding-DNA position 850, C replaced by A.
Protein change: p.Arg284Ser; replaces arginine 284 with serine.
Molecular consequence: missense variant. On other transcripts: non-coding transcript variant (3).
Genome position (GRCh38, 1-based): chr10:86,917,308, C>A. VCF-style: chr10-86917308-C-A. GRCh37 (hg19) VCF-style: chr10-88677065-C-A.
Other names: c.766C>A, p.Arg256Ser (NM_001406588.1, NM_001406584.1, NM_001406585.1 and 2 more transcripts); c.508C>A, p.Arg170Ser (NM_001406589.1); c.925C>A, p.Arg309Ser (NM_001406559.1); c.898C>A, p.Arg300Ser (NM_001406560.1); c.850C>A, p.Arg284Ser (NM_001406561.1, NM_001406562.1, NM_001406563.1 and 19 more transcripts); c.844C>A, p.Arg282Ser (NM_001406583.1); short protein forms R170S, R256S, R282S, R284S, R300S, R309S.
Identifiers: ClinVar variation 3223970 (VCV003223970.1), dbSNP rs765530074, ClinGen allele CA377458764.
Genomic context (GRCh38, chr10:86,917,308, plus strand): 5'-TTTACCACTGAAGAAGCCAGCTGGTTTCGAGAAACAGAAATCTACCAAACTGTGCTAATG[C>A]GCCATGAAAACATACTTGGTGGGTACACACTGATTCAGTCAATTTCATTTTTGACAAGGC-3'
Protein context (NP_004320.2, residues 274-294): ETEIYQTVLM[Arg284Ser]HENILGFIAA

ClinVar aggregate classification (germline): Uncertain significance (1 of 4 stars; one submission).

Conditions:
Hereditary cancer-predisposing syndrome. Also called: Tumor predisposition; Hereditary neoplastic syndrome; Hereditary Cancer Syndrome; Neoplastic Syndromes, Hereditary. Identifiers: Orphanet 140162, MedGen C0027672, MeSH D009386, MONDO:0015356.

Submission:

Ambry Genetics
Classification: Uncertain significance for Hereditary cancer-predisposing syndrome. Last evaluated: 2024-02-28. Review status: criteria provided, single submitter. Criteria: Ambry Variant Classification Scheme 2023. Collection method: clinical testing. Allele origin: germline.
Comment: The p.R284S variant (also known as c.850C>A), located in coding exon 7 of the BMPR1A gene, results from a C to A substitution at nucleotide position 850. The arginine at codon 284 is replaced by serine, an amino acid with dissimilar properties. This amino acid position is conserved. In addition, this alteration is predicted to be deleterious by in silico analysis. Based on the available evidence, the clinical significance of this alteration remains unclear.